The following is an entry in ClinVar:

ClinVar aggregate classification (germline): Conflicting classifications of pathogenicity. Review status: criteria provided, conflicting classifications (1 of 4 stars). 10 submissions from 6 submitters: Uncertain significance (4); Benign (3); Likely benign (3). Last evaluated 2026-01-28.

Conditions:
Cardiovascular phenotype. Identifiers: MedGen CN230736.
Dilated cardiomyopathy 1G (CMD1G). Identifiers: Orphanet 154, MedGen C1858763, MONDO:0011400, OMIM 604145.
Autosomal recessive limb-girdle muscular dystrophy type 2J (LGMDR10). Also called: Limb-girdle muscular dystrophy, type 2J; MUSCULAR DYSTROPHY, LIMB-GIRDLE, AUTOSOMAL RECESSIVE 10. Identifiers: Orphanet 140922, MedGen C1837342, MONDO:0012127, OMIM 608807.
Early-onset myopathy with fatal cardiomyopathy (CMYO5). Also called: Salih Myopathy; CONGENITAL MYOPATHY 5 WITH CARDIOMYOPATHY. Identifiers: Orphanet 289377, MedGen C2673677, MONDO:0012714, OMIM 611705. Disease mechanism: loss of function.
Tibial muscular dystrophy (TMD). Also called: UDD MYOPATHY; Tibial muscular dystrophy, tardive; Udd Distal Myopathy – Tibial Muscular Dystrophy. Identifiers: Orphanet 609, MedGen C1838244, MONDO:0010870, OMIM 600334.
Myopathy, myofibrillar, 9, with early respiratory failure (MFM9). Also called: Hereditary myopathy with early respiratory failure; MYOPATHY, PROXIMAL, WITH EARLY RESPIRATORY MUSCLE INVOLVEMENT; Myopathy, distal, with early respiratory failure, autosomal dominant; EDSTROM MYOPATHY. Identifiers: Orphanet 178464, Orphanet 34521, MedGen C1863599, MONDO:0011362, OMIM 603689.

Allele frequency attached by ClinVar (database versions not stated): ESP Exome Variant Server 0.00017; 1000 Genomes Project 0.00100; TOPMed 0.00017; gnomAD exomes 0.00009; ExAC 0.00010; gnomAD 0.00014 and 0.00016; 1000 Genomes Project 30x 0.00078.
gnomAD v4.1: 140 of 1,613,090 alleles (0.0087%); highest among the groups gnomAD compares: African/African-American, 0.044%; no homozygotes.

Submissions (10):

Labcorp Genetics (formerly Invitae), Labcorp
Classification: Likely benign for Dilated cardiomyopathy 1G; Autosomal recessive limb-girdle muscular dystrophy type 2J. Last evaluated: 2026-01-28. Review status: criteria provided, single submitter. Criteria: Invitae Variant Classification Sherloc (09022015). Collection method: clinical testing. Allele origin: germline.

Blueprint Genetics
Classification: Likely benign. Last evaluated: 2024-06-26. Review status: criteria provided, single submitter. Criteria: ACMG Guidelines, 2015. Collection method: clinical testing. Allele origin: germline.

Ambry Genetics
Classification: Likely benign for Cardiovascular phenotype. Last evaluated: 2019-09-16. Review status: criteria provided, single submitter. Criteria: Ambry Variant Classification Scheme 2023. Collection method: clinical testing. Allele origin: germline.

Illumina Laboratory Services, Illumina
Classification: Uncertain significance for Dilated cardiomyopathy 1G. Last evaluated: 2018-01-13. Review status: criteria provided, single submitter. Criteria: ICSL Variant Classification Criteria 13 December 2019. Collection method: clinical testing. Allele origin: germline.

Illumina Laboratory Services, Illumina
Classification: Uncertain significance for Early-onset myopathy with fatal cardiomyopathy. Last evaluated: 2018-01-13. Review status: criteria provided, single submitter. Criteria: ICSL Variant Classification Criteria 13 December 2019. Collection method: clinical testing. Allele origin: germline.

Illumina Laboratory Services, Illumina
Classification: Benign for Tibial muscular dystrophy. Last evaluated: 2018-01-13. Review status: criteria provided, single submitter. Criteria: ICSL Variant Classification Criteria 13 December 2019. Collection method: clinical testing. Allele origin: germline.
Comment: This variant was observed in the ICSL laboratory as part of a predisposition screen in an ostensibly healthy population. It had not been previously curated by ICSL or reported in the Human Gene Mutation Database (HGMD: prior to June 1st, 2018), and was therefore a candidate for classification through an automated scoring system. Utilizing variant allele frequency, disease prevalence and penetrance estimates, and inheritance mode, an automated score was calculated to assess if this variant is too frequent to cause the disease. Based on the score and internal cut-off values, a variant classified as benign is not then subjected to further curation. The score for this variant resulted in a classification of benign for this disease.

Illumina Laboratory Services, Illumina
Classification: Uncertain significance for Autosomal recessive limb-girdle muscular dystrophy type 2J. Last evaluated: 2018-01-13. Review status: criteria provided, single submitter. Criteria: ICSL Variant Classification Criteria 13 December 2019. Collection method: clinical testing. Allele origin: germline.

Illumina Laboratory Services, Illumina
Classification: Benign for Myopathy, myofibrillar, 9, with early respiratory failure. Last evaluated: 2018-01-13. Review status: criteria provided, single submitter. Criteria: ICSL Variant Classification Criteria 13 December 2019. Collection method: clinical testing. Allele origin: germline.
Comment: the same text as in the submission from Illumina Laboratory Services, Illumina above.

Eurofins Ntd Llc (ga)
Classification: Uncertain significance. Last evaluated: 2016-05-09. Review status: criteria provided, single submitter. Criteria: EGL Classification Definitions 2015. Collection method: clinical testing. Allele origin: germline. Observed: 2 variant alleles, 2 heterozygotes.

GeneDx
Classification: Benign. Last evaluated: 2014-03-20. Review status: criteria provided, single submitter. Criteria: GeneDx Variant Classification (06012015). Collection method: clinical testing. Allele origin: germline. Affected: yes.
Comment: This variant is considered likely benign or benign based on one or more of the following criteria: it is a conservative change, it occurs at a poorly conserved position in the protein, it is predicted to be benign by multiple in silico algorithms, and/or has population frequency not consistent with disease.

NM_001267550.2(TTN):c.43260C>T (p.Phe14420=)

Gene: TTN (titin; minus strand). Cytogenetic location: 2q31.2.
Variant type: single nucleotide variant.
Coding change: c.43260C>T on transcript NM_001267550.2 (MANE Select); coding-DNA position 43260, C replaced by T.
Protein change: p.Phe14420=; no amino-acid change (phenylalanine 14420 retained).
Molecular consequence: synonymous variant.
Genome position (GRCh38, 1-based): chr2:178,632,746, G>A on the plus strand (C>T on the coding strand, the complement: TTN is on the minus strand). VCF-style: chr2-178632746-G-A. GRCh37 (hg19) VCF-style: chr2-179497473-G-A.
Other names: p.F12779F:TTC>TTT; c.38337C>T, p.Phe12779= (NM_001256850.1); c.16065C>T, p.Phe5355= (NM_003319.4); c.35556C>T, p.Phe11852= (NM_133378.4); c.16440C>T, p.Phe5480= (NM_133432.3); c.16641C>T, p.Phe5547= (NM_133437.4).
Identifiers: ClinVar variation 137790 (VCV000137790.23), dbSNP rs372382546, ClinGen allele CA291452.